The following continues an entry in ClinVar:

NM_004004.6(GJB2):c.11G>A (p.Gly4Asp)

Gene: GJB2. ClinVar aggregate classification (germline): Conflicting classifications of pathogenicity. Uncertain significance (1); Benign (2); Likely benign (10).

Submissions 9 to 18 of 18:

Illumina Laboratory Services, Illumina
Classification: Likely benign for Autosomal recessive nonsyndromic hearing loss 1A. Last evaluated: 2017-04-28. Review status: criteria provided, single submitter. Criteria: ICSL Variant Classification Criteria 13 December 2019. Collection method: clinical testing. Allele origin: germline.
Comment: This variant was observed as part of a predisposition screen in an ostensibly healthy population. A literature search was performed for the gene, cDNA change, and amino acid change (where applicable). Publications were found based on this search. The evidence from the literature, in combination with allele frequency data from public databases where available, was sufficient to determine this variant is unlikely to cause disease. Therefore, this variant is classified as likely benign.

Illumina Laboratory Services, Illumina
Classification: Likely benign for Autosomal dominant keratitis-ichthyosis-hearing loss syndrome. Last evaluated: 2017-04-28. Review status: criteria provided, single submitter. Criteria: ICSL Variant Classification Criteria 13 December 2019. Collection method: clinical testing. Allele origin: germline.
Comment: This variant was observed as part of a predisposition screen in an ostensibly healthy population. A literature search was performed for the gene, cDNA change, and amino acid change (where applicable). No publications were found based on this search. Allele frequency data from public databases allowed determination this variant is unlikely to cause disease. Therefore, this variant is classified as likely benign.

Illumina Laboratory Services, Illumina
Classification: Likely benign for Autosomal dominant nonsyndromic hearing loss 3A. Last evaluated: 2017-04-28. Review status: criteria provided, single submitter. Criteria: ICSL Variant Classification Criteria 13 December 2019. Collection method: clinical testing. Allele origin: germline.
Comment: the same text as in the submission from Illumina Laboratory Services, Illumina above.

Eurofins Ntd Llc (ga)
Classification: Likely benign. Last evaluated: 2015-01-30. Review status: criteria provided, single submitter. Criteria: EGL Classification Definitions 2015. Collection method: clinical testing. Allele origin: germline. Observed: 2 variant alleles, 2 heterozygotes.

Laboratory for Molecular Medicine, Mass General Brigham Personalized Medicine
Classification: Benign. Last evaluated: 2011-01-28. Review status: criteria provided, single submitter. Criteria: LMM Criteria. Collection method: clinical testing. Allele origin: germline. Observed: 6 variant alleles.
Comment: Gly4Asp in exon 2 of GJB2: This variant is not expected to have clinical signifi cance due to an equal occurrence in probands (0.52% (25/4779)) and controls (0.3 5% (23/665)) (Yaun 2010, Dia 2009, Han 2008, Lee 2008, Tang 2006, Snoeckx 2005, Roux 2004, Hwa 2003) with a 10% (20/200) frequency in the Indonesian population (Snoeckx 2005). In addition, this variant has been identified in one individual in cis with another pathogenic GJB2 variant (Yaun 2010).

Natera, Inc.
Classification: Likely benign for Autosomal recessive deafness type 1A. Last evaluated: 2020-04-03. Review status: no assertion criteria provided. Collection method: clinical testing. Allele origin: germline. Not counted in ClinVar's aggregate classification.

Clinical Genetics DNA and cytogenetics Diagnostics Lab, Erasmus MC, Erasmus Medical Center
Classification: Likely benign. Review status: no assertion criteria provided. Collection method: clinical testing. Allele origin: germline. Affected: yes. Study: VKGL Data-share Consensus. Not counted in ClinVar's aggregate classification.

Diagnostic Laboratory, Department of Genetics, University Medical Center Groningen
Classification: Likely benign. Review status: no assertion criteria provided. Collection method: clinical testing. Allele origin: germline. Affected: yes. Study: VKGL Data-share Consensus. Not counted in ClinVar's aggregate classification.

Joint Genome Diagnostic Labs from Nijmegen and Maastricht, Radboudumc and MUMC+
Classification: Likely benign. Review status: no assertion criteria provided. Collection method: clinical testing. Allele origin: germline. Affected: yes. Study: VKGL Data-share Consensus. Not counted in ClinVar's aggregate classification.

Genetic Services Laboratory, University of Chicago
Classification: Uncertain significance. Last evaluated: 2016-02-16. Review status: flagged submission. Criteria: ACMG Guidelines, 2015. Collection method: clinical testing. Allele origin: germline. Affected: no. Not counted in ClinVar's aggregate classification.
ClinVar note: Reason: Claim with insufficient supporting evidence

Literature cited by the submitters: PubMed 15070423 (cited by 5 submitters); PubMed 17041943 (cited by 5 submitters); PubMed 15967879 (cited by Women's Health and Genetics/Laboratory Corporation of America, LabCorp and Athena Diagnostics); PubMed 17426645 (cited by 3 submitters); PubMed 22613756 (cited by 4 submitters); PubMed 19366456 (cited by 3 submitters); PubMed 12792423 (cited by 5 submitters); PubMed 17666888 (cited by 3 submitters); PubMed 21287563 (cited by 3 submitters); PubMed 19929407 (cited by Women's Health and Genetics/Laboratory Corporation of America, LabCorp and Athena Diagnostics); PubMed 19043807 (cited by 3 submitters); PubMed 19877196 (cited by Women's Health and Genetics/Laboratory Corporation of America, LabCorp and Athena Diagnostics); PubMed 15832357 (cited by 3 submitters); PubMed 21122151 (cited by Women's Health and Genetics/Laboratory Corporation of America, LabCorp and Athena Diagnostics); PubMed 20593197 (cited by Women's Health and Genetics/Laboratory Corporation of America, LabCorp and Athena Diagnostics); PubMed 21162657 (cited by Women's Health and Genetics/Laboratory Corporation of America, LabCorp and Athena Diagnostics); PubMed 19235794 (cited by Women's Health and Genetics/Laboratory Corporation of America, LabCorp and Athena Diagnostics); PubMed 24612839 (cited by Women's Health and Genetics/Laboratory Corporation of America, LabCorp and Athena Diagnostics); PubMed 24341454 (cited by Women's Health and Genetics/Laboratory Corporation of America, LabCorp and Athena Diagnostics); PubMed 26043044 (cited by 3 submitters); PubMed 27785406 (cited by Women's Health and Genetics/Laboratory Corporation of America, LabCorp and Athena Diagnostics); PubMed 30245029 (cited by 3 submitters); PubMed 38002950 (cited by Women's Health and Genetics/Laboratory Corporation of America, LabCorp); PubMed 26252218 (cited by Athena Diagnostics); PubMed 23638949 (cited by Athena Diagnostics); PubMed 22785241 (cited by Athena Diagnostics); PubMed 18353197 (cited by Athena Diagnostics); PubMed 28428247 (cited by Victorian Clinical Genetics Services, Murdoch Childrens Research Institute); PubMed 31160754 (cited by Victorian Clinical Genetics Services, Murdoch Childrens Research Institute); PubMed 31992338 (cited by Victorian Clinical Genetics Services, Murdoch Childrens Research Institute).